The following is an entry in ClinVar:

ClinVar aggregate classification (germline): Uncertain significance (1 of 4 stars; one submission).

Submission:

Labcorp Genetics (formerly Invitae), Labcorp
Classification: Uncertain significance. Last evaluated: 2022-12-17. Review status: criteria provided, single submitter. Criteria: Invitae Variant Classification Sherloc (09022015). Collection method: clinical testing. Allele origin: germline.
Comment: In summary, the available evidence is currently insufficient to determine the role of this variant in disease. Therefore, it has been classified as a Variant of Uncertain Significance. This sequence change replaces phenylalanine, which is neutral and non-polar, with isoleucine, which is neutral and non-polar, at codon 329 of the CLCN7 protein (p.Phe329Ile). This variant is not present in population databases (gnomAD no frequency). This variant has not been reported in the literature in individuals affected with CLCN7-related conditions. Advanced modeling of protein sequence and biophysical properties (such as structural, functional, and spatial information, amino acid conservation, physicochemical variation, residue mobility, and thermodynamic stability) performed at Invitae indicates that this missense variant is expected to disrupt CLCN7 protein function.

NM_001287.6(CLCN7):c.985T>A (p.Phe329Ile)

Gene: CLCN7 (chloride voltage-gated channel 7; minus strand). Cytogenetic location: 16p13.3.
Variant type: single nucleotide variant.
Coding change: c.985T>A on transcript NM_001287.6 (MANE Select); coding-DNA position 985, T replaced by A.
Protein change: p.Phe329Ile; replaces phenylalanine 329 with isoleucine.
Molecular consequence: missense variant.
Genome position (GRCh38, 1-based): chr16:1,455,247, A>T on the plus strand (T>A on the coding strand, the complement: CLCN7 is on the minus strand). VCF-style: chr16-1455247-A-T. GRCh37 (hg19) VCF-style: chr16-1505248-A-T.
Other names: c.913T>A, p.Phe305Ile (NM_001114331.3); short protein forms F305I, F329I.
Identifiers: ClinVar variation 2821783 (VCV002821783.3), dbSNP rs2505831123, ClinGen allele CA394189923.